The following is an entry in ClinVar:

NM_000138.5(FBN1):c.4820T>C (p.Ile1607Thr)

Gene: FBN1 (fibrillin 1; minus strand). Cytogenetic location: 15q21.1.
Variant type: single nucleotide variant.
Coding change: c.4820T>C on transcript NM_000138.5 (MANE Select); coding-DNA position 4820, T replaced by C.
Protein change: p.Ile1607Thr; replaces isoleucine 1607 with threonine.
Molecular consequence: missense variant.
Genome position (GRCh38, 1-based): chr15:48,465,690, A>G on the plus strand (T>C on the coding strand, the complement: FBN1 is on the minus strand). VCF-style: chr15-48465690-A-G. GRCh37 (hg19) VCF-style: chr15-48757887-A-G.
Other names: c.4820T>C, p.Ile1607Thr (NM_001406716.1); short protein forms I1607T.
Identifiers: ClinVar variation 1743364 (VCV001743364.5), dbSNP rs2505497217, ClinGen allele CA392351428.

ClinVar aggregate classification (germline): Uncertain significance. Review status: criteria provided, multiple submitters, no conflicts (2 of 4 stars). 3 submissions from 3 submitters: Uncertain significance (3). Last evaluated 2025-04-06.

Conditions:
Familial thoracic aortic aneurysm and aortic dissection (TAAD). Also called: Thoracic aortic aneurysms and dissections. Identifiers: Orphanet 91387, MedGen C4707243, MONDO:0019625.

Submissions (3):

GeneDx
Classification: Uncertain significance. Last evaluated: 2025-04-06. Review status: criteria provided, single submitter. Criteria: GeneDx Variant Classification Process June 2021. Collection method: clinical testing. Allele origin: germline. Affected: yes.
Comment: Not observed at significant frequency in large population cohorts (gnomAD); In silico analysis supports that this missense variant has a deleterious effect on protein structure/function; Has not been previously published as pathogenic or benign to our knowledge; Does not affect a cysteine or calcium-binding residue within an EGF-like domain or a TGF-binding protein domain of the FBN1 gene; cysteine substitutions in the EGF-like domains represent the majority of pathogenic missense changes associated with FBN1-related disorders (PMID: 12938084); This variant is associated with the following publications: (PMID: 12938084)

Women's Health and Genetics/Laboratory Corporation of America, LabCorp
Classification: Uncertain significance. Last evaluated: 2024-02-01. Review status: criteria provided, single submitter. Criteria: LabCorp Variant Classification Summary - May 2015. Collection method: clinical testing. Allele origin: germline.
Comment: Variant summary: FBN1 c.4820T>C (p.Ile1607Thr) results in a non-conservative amino acid change located in the EGF-like domain (IPR000742) of the encoded protein sequence. Five of five in-silico tools predict a damaging effect of the variant on protein function. The frequency data for this variant in gnomAD is considered unreliable, as metrics indicate poor data quality at this position. To our knowledge, no occurrence of c.4820T>C in individuals affected with Marfan Syndrome and no experimental evidence demonstrating its impact on protein function have been reported. ClinVar contains an entry for this variant (Variation ID: 1743364). Based on the evidence outlined above, the variant was classified as uncertain significance.

Ambry Genetics
Classification: Uncertain significance for Familial thoracic aortic aneurysm and aortic dissection. Last evaluated: 2021-04-15. Review status: criteria provided, single submitter. Criteria: Ambry Variant Classification Scheme 2023. Collection method: clinical testing. Allele origin: germline.
Comment: The p.I1607T variant (also known as c.4820T>C), located in coding exon 39 of the FBN1 gene, results from a T to C substitution at nucleotide position 4820. The isoleucine at codon 1607 is replaced by threonine, an amino acid with similar properties, and is located in the cbEGF-like #23 domain. This amino acid position is highly conserved in available vertebrate species. In addition, this alteration is predicted to be deleterious by in silico analysis. Since supporting evidence is limited at this time, the clinical significance of this alteration remains unclear.